The following is an entry in ClinVar:

ClinVar aggregate classification (germline): Uncertain significance (1 of 4 stars; one submission).

Submission:

Ambry Genetics
Classification: Uncertain significance. Last evaluated: 2026-03-02. Review status: criteria provided, single submitter. Criteria: Ambry Variant Classification Scheme 2023. Collection method: clinical testing. Allele origin: germline.
Comment: The p.Q26H variant (also known as c.78G>C), located in coding exon 1 of the TET2 gene, results from a G to C substitution at nucleotide position 78. The glutamine at codon 26 is replaced by histidine, an amino acid with highly similar properties. This amino acid position is conserved. In addition, this alteration is predicted to be tolerated by in silico analysis. Based on the available evidence, the clinical significance of this variant remains unclear.

NM_001127208.3(TET2):c.78G>C (p.Gln26His)

Genes: TET2 (tet methylcytosine dioxygenase 2; plus strand), TET2-AS1 (TET2 antisense RNA 1; minus strand). Cytogenetic location: 4q24.
Variant type: single nucleotide variant.
Coding change: c.78G>C on transcript NM_001127208.3 (MANE Select); coding-DNA position 78, G replaced by C.
Protein change: p.Gln26His; replaces glutamine 26 with histidine.
Molecular consequence: missense variant.
Genome position (GRCh38, 1-based): chr4:105,234,020, G>C. VCF-style: chr4-105234020-G-C. GRCh37 (hg19) VCF-style: chr4-106155177-G-C.
Other names: c.78G>C, p.Gln26His (NM_017628.4); short protein forms Q26H.
Identifiers: ClinVar variation 4827252 (VCV004827252.1).